The following is an entry in ClinVar:

ClinVar aggregate classification (germline): Benign/Likely benign. Review status: criteria provided, multiple submitters, no conflicts (2 of 4 stars). 4 submissions from 4 submitters: Benign (1); Likely benign (3). Last evaluated 2025-12-15.

Conditions:
Mitochondrial complex II deficiency, nuclear type 1. Also called: SUCCINATE CoQ REDUCTASE DEFICIENCY. Identifiers: Orphanet 3208, MedGen C5700310, MONDO:0100294, OMIM 252011.
Pheochromocytoma/paraganglioma syndrome 5. Also called: Paragangliomas 5; SDHA-Related Hereditary Paraganglioma-Pheochromocytoma Syndrome. Identifiers: Orphanet 29072, MedGen C3279992, MONDO:0013602, OMIM 614165.
Hereditary cancer-predisposing syndrome. Also called: Tumor predisposition; Hereditary neoplastic syndrome; Neoplastic Syndromes, Hereditary; Hereditary Cancer Syndrome. Identifiers: Orphanet 140162, MedGen C0027672, MeSH D009386, MONDO:0015356.

Allele frequency attached by ClinVar (database versions not stated): gnomAD exomes below 0.00001; ExAC 0.00001.

Submissions (4):

Labcorp Genetics (formerly Invitae), Labcorp
Classification: Likely benign for Pheochromocytoma/paraganglioma syndrome 5; Mitochondrial complex II deficiency, nuclear type 1. Last evaluated: 2025-12-15. Review status: criteria provided, single submitter. Criteria: Invitae Variant Classification Sherloc (09022015). Collection method: clinical testing. Allele origin: germline.

Myriad Genetics, Inc.
Classification: Benign for Pheochromocytoma/paraganglioma syndrome 5. Last evaluated: 2025-03-03. Review status: criteria provided, single submitter. Criteria: Myriad Autosomal Dominant, Autosomal Recessive and X-Linked Classification Criteria (2023). Collection method: clinical testing. Allele origin: unknown.
Comment: This variant is considered benign. This variant is a silent/synonymous amino acid change and it is not expected to impact splicing.

Blueprint Genetics
Classification: Likely benign. Last evaluated: 2022-12-19. Review status: criteria provided, single submitter. Criteria: ACMG Guidelines, 2015. Collection method: clinical testing. Allele origin: germline.

Ambry Genetics
Classification: Likely benign for Hereditary cancer-predisposing syndrome. Last evaluated: 2019-07-31. Review status: criteria provided, single submitter. Criteria: Ambry Variant Classification Scheme 2023. Collection method: clinical testing. Allele origin: germline.

NM_004168.4(SDHA):c.573T>C (p.Cys191=)

Gene: SDHA (succinate dehydrogenase complex flavoprotein subunit A; plus strand). Cytogenetic location: 5p15.33.
Variant type: single nucleotide variant.
Coding change: c.573T>C on transcript NM_004168.4 (MANE Select); coding-DNA position 573, T replaced by C.
Protein change: p.Cys191=; no amino-acid change (cysteine 191 retained).
Molecular consequence: synonymous variant.
Genome position (GRCh38, 1-based): chr5:225,999, T>C. VCF-style: chr5-225999-T-C. GRCh37 (hg19) VCF-style: chr5-226114-T-C.
Other names: c.429T>C, p.Cys143= (NM_001294332.2); c.573T>C, p.Cys191= (NM_001330758.2).
Identifiers: ClinVar variation 762544 (VCV000762544.16), dbSNP rs765111856, ClinGen allele CA3172881.
Genomic context (GRCh38, chr5:225,999, plus strand): 5'-TGCATTTGGTGGACAGAGCCTCAAGTTTGGAAAGGGCGGGCAGGCCCATCGGTGCTGCTG[T>C]GTGGCTGATCGGACTGGCCACTCGCTATTGCACACCTTATATGGAAGGGTAAGGCCGCCC-3'
Protein context (NP_004159.2, residues 181-201): GKGGQAHRCC[Cys191=]VADRTGHSLL